The following is an entry in ClinVar:

NM_005529.7(HSPG2):c.7407G>A (p.Thr2469=)

Gene: HSPG2 (heparan sulfate proteoglycan 2; minus strand). Cytogenetic location: 1p36.12.
Variant type: single nucleotide variant.
Coding change: c.7407G>A on transcript NM_005529.7 (MANE Select); coding-DNA position 7407, G replaced by A.
Protein change: p.Thr2469=; no amino-acid change (threonine 2469 retained).
Molecular consequence: synonymous variant.
Genome position (GRCh38, 1-based): chr1:21,850,080, C>T on the plus strand (G>A on the coding strand, the complement: HSPG2 is on the minus strand). VCF-style: chr1-21850080-C-T. GRCh37 (hg19) VCF-style: chr1-22176573-C-T.
Other names: c.7410G>A, p.Thr2470= (NM_001291860.2); c.7407G>A (NM_005529.5).
Identifiers: ClinVar variation 739913 (VCV000739913.35), dbSNP rs200462415, ClinGen allele CA671199.
Genomic context (GRCh38, chr1:21,850,080, plus strand): 5'-TCCTGAGCTCCTGCCTCCTACCTGGTGCCGGGCCGGGAGGCTGCCCCCGCGCTTGTGCCA[C>T]GTGACCTGGGCATGGGCCTGACCAGCAACGAGGCAGTTCAGGTCCAGGGTCTGCCCCTCG-3'
Protein context (NP_005520.4, residues 2459-2479): LVAGQAHAQV[Thr2469=]WHKRGGSLPA

ClinVar aggregate classification (germline): Conflicting classifications of pathogenicity. Review status: criteria provided, conflicting classifications (1 of 4 stars). 3 submissions from 3 submitters: Uncertain significance (1); Likely benign (2). Last evaluated 2025-09-14.

Allele frequency attached by ClinVar (database versions not stated): gnomAD exomes 0.00002 and 0.00003; ExAC 0.00003; gnomAD 0.00003 and 0.00004; TOPMed 0.00005.
gnomAD v4.1: 41 of 1,613,376 alleles (0.0025%); highest among the groups gnomAD compares: Admixed American, 0.0083%; no homozygotes.

Submissions (3):

Labcorp Genetics (formerly Invitae), Labcorp
Classification: Likely benign. Last evaluated: 2025-09-14. Review status: criteria provided, single submitter. Criteria: Invitae Variant Classification Sherloc (09022015). Collection method: clinical testing. Allele origin: germline.

CeGaT Center for Human Genetics Tuebingen
Classification: Likely benign. Last evaluated: 2022-07-01. Review status: criteria provided, single submitter. Criteria: CeGaT Center For Human Genetics Tuebingen Variant Classification Criteria Version 2. Collection method: clinical testing. Allele origin: germline. Affected: yes. Observed: 1 variant allele.
Comment: HSPG2: BP4, BP7

Revvity Omics, Revvity
Classification: Uncertain significance. Last evaluated: 2019-05-30. Review status: criteria provided, single submitter. Criteria: ACMG Guidelines, 2015. Collection method: clinical testing. Allele origin: germline.